The following is an entry in ClinVar:

ClinVar aggregate classification (germline): Uncertain significance (1 of 4 stars; one submission).

Conditions:
Heterotopia, periventricular, X-linked dominant (PVNH1). Also called: PERIVENTRICULAR NODULAR HETEROTOPIA 1; X-linked periventricular heterotopia; PERIVENTRICULAR NODULAR HETEROTOPIA 4; HETEROTOPIA, PERIVENTRICULAR, 1. Identifiers: Orphanet 2149, Orphanet 82004, MedGen C1848213, MONDO:0010233, OMIM 300049.
Melnick-Needles syndrome (MNS). Also called: Melnick-Needles Syndrome (FLNA-MNS); MELNICK-NEEDLES OSTEODYSPLASTY; OSTEODYSPLASTY OF MELNICK AND NEEDLES. Identifiers: Orphanet 2484, MedGen C0025237, MONDO:0010650, OMIM 309350.
Frontometaphyseal dysplasia (FMD1). Identifiers: Orphanet 1826, MedGen C0265293, MONDO:0015942.
Oto-palato-digital syndrome, type II (OPD2). Also called: Otopalatodigital Syndrome Type 2 (FLNA-OPD2); FACIOPALATOOSSEOUS SYNDROME; OPD II SYNDROME; Otopalatodigital Syndrome, Type II. Identifiers: Orphanet 669, Orphanet 90652, MedGen C1844696, MONDO:0010571, OMIM 304120.

Submission:

Labcorp Genetics (formerly Invitae), Labcorp
Classification: Uncertain significance for Oto-palato-digital syndrome, type II; Heterotopia, periventricular, X-linked dominant; Frontometaphyseal dysplasia; Melnick-Needles syndrome. Last evaluated: 2023-11-17. Review status: criteria provided, single submitter. Criteria: Invitae Variant Classification Sherloc (09022015). Collection method: clinical testing. Allele origin: germline.
Comment: This sequence change replaces proline, which is neutral and non-polar, with threonine, which is neutral and polar, at codon 480 of the FLNA protein (p.Pro480Thr). This variant is not present in population databases (gnomAD no frequency). This variant has not been reported in the literature in individuals affected with FLNA-related conditions. Advanced modeling of protein sequence and biophysical properties (such as structural, functional, and spatial information, amino acid conservation, physicochemical variation, residue mobility, and thermodynamic stability) has been performed at Invitae for this missense variant, however the output from this modeling did not meet the statistical confidence thresholds required to predict the impact of this variant on FLNA protein function. In summary, the available evidence is currently insufficient to determine the role of this variant in disease. Therefore, it has been classified as a Variant of Uncertain Significance.

NM_001110556.2(FLNA):c.1438C>A (p.Pro480Thr)

Gene: FLNA (filamin A; minus strand). Cytogenetic location: Xq28.
Variant type: single nucleotide variant.
Coding change: c.1438C>A on transcript NM_001110556.2 (MANE Select); coding-DNA position 1438, C replaced by A.
Protein change: p.Pro480Thr; replaces proline 480 with threonine.
Molecular consequence: missense variant.
Genome position (GRCh38, 1-based): chrX:154,365,478, G>T on the plus strand (C>A on the coding strand, the complement: FLNA is on the minus strand). VCF-style: chrX-154365478-G-T. GRCh37 (hg19) VCF-style: chrX-153593846-G-T.
Other names: c.1438C>A, p.Pro480Thr (NM_001456.4); short protein forms P480T.
Identifiers: ClinVar variation 2953948 (VCV002953948.3), dbSNP rs782682232, ClinGen allele CA415243565.
Genomic context (GRCh38, chrX:154,365,478, plus strand): 5'-TCTCCTTCACCCGCACACCCTTGGGCTGGAGGCCCCGGCCAACCGCCCGGCAGGCACTCG[G>T]GTTACAGGCTGCAGGCAGAGGGGCCAGCTGAGCACCAGCAGCTCGGCTGGGCGACCCCTC-3'
Protein context (NP_001104026.1, residues 470-490): YTVTVGQACN[Pro480Thr]SACRAVGRGL